The following is an entry in ClinVar:

ClinVar aggregate classification (germline): Likely pathogenic (1 of 4 stars; one submission).

Conditions:
Immunodeficiency-centromeric instability-facial anomalies syndrome 2 (ICF2). Identifiers: Orphanet 2268, MedGen C3279748, MONDO:0013553, OMIM 614069.

Submission:

Labcorp Genetics (formerly Invitae), Labcorp
Classification: Likely pathogenic for Immunodeficiency-centromeric instability-facial anomalies syndrome 2. Last evaluated: 2023-06-20. Review status: criteria provided, single submitter. Criteria: Invitae Variant Classification Sherloc (09022015). Collection method: clinical testing. Allele origin: germline.
Comment: This variant results in the deletion of part of exon 2 (c.437_952+408del) of the ZBTB24 gene. It is expected to disrupt RNA splicing. Variants that disrupt the donor or acceptor splice site typically lead to a loss of protein function (PMID: 16199547), and loss-of-function variants in ZBTB24 are known to be pathogenic (PMID: 21596365). This variant is not present in population databases (gnomAD no frequency). This variant has not been reported in the literature in individuals affected with ZBTB24-related conditions. In summary, the currently available evidence indicates that the variant is pathogenic, but additional data are needed to prove that conclusively. Therefore, this variant has been classified as Likely Pathogenic.

Literature cited by the submitters: PubMed 16199547; PubMed 21596365.

NM_014797.3(ZBTB24):c.437_952+408del

Gene: ZBTB24 (zinc finger and BTB domain containing 24; minus strand). Cytogenetic location: 6q21.
Variant type: Deletion.
Coding change: c.437_952+408del on transcript NM_014797.3 (MANE Select); coding-DNA position 437 through 408 bases into the intron after coding-DNA position 952, 924 bases deleted.
Molecular consequence: splice donor variant.
Genome position (GRCh38, 1-based): chr6:109,480,667-109,481,590, 924 bases deleted. GRCh37 (hg19): chr6:109,801,873-109,802,796.
Identifiers: ClinVar variation 2720224 (VCV002720224.3), dbSNP rs2482879619, ClinGen allele CA2697553636.